The following is an entry in ClinVar:

NM_006231.4(POLE):c.4874_4875del (p.Gln1625fs)

Gene: POLE (DNA polymerase epsilon, catalytic subunit; minus strand). Cytogenetic location: 12q24.33.
Variant type: Deletion.
Coding change: c.4874_4875del on transcript NM_006231.4 (MANE Select); coding-DNA positions 4874 to 4875, 2 bases deleted (AG; older notation c.4874_4875delAG).
Protein change: p.Gln1625fs; shifts the reading frame from glutamine 1625.
Molecular consequence: frameshift variant.
Genome position (GRCh38, 1-based): chr12:132,642,583-132,642,584, CT deleted on the plus strand (AG on the coding strand, the reverse complement: POLE is on the minus strand). VCF-style (leftmost placement, unchanged base first): chr12-132642582-GCT-G. GRCh37 (hg19) VCF-style: chr12-133219168-GCT-G.
Other names: short protein forms Q1625fs.
Identifiers: ClinVar variation 5027085 (VCV005027085.1).

ClinVar aggregate classification (germline): Uncertain significance (1 of 4 stars; one submission).

Conditions:
Hereditary cancer-predisposing syndrome. Also called: Neoplastic Syndromes, Hereditary; Tumor predisposition; Hereditary neoplastic syndrome; Hereditary Cancer Syndrome. Identifiers: Orphanet 140162, MedGen C0027672, MeSH D009386, MONDO:0015356.

Submission:

Ambry Genetics
Classification: Uncertain significance for Hereditary cancer-predisposing syndrome. Last evaluated: 2026-07-23. Review status: criteria provided, single submitter. Criteria: Ambry Variant Classification Scheme 2023. Collection method: clinical testing. Allele origin: germline.
Comment: The c.4874_4875delAG variant, located in coding exon 37 of the POLE gene, results from a deletion of two nucleotides at nucleotide positions 4874 to 4875, causing a translational frameshift with a predicted alternate stop codon (p.Q1625Pfs*68). This alteration is expected to result in loss of function by premature protein truncation or nonsense-mediated mRNA decay. Although biallelic loss of function of POLE has been associated with autosomal recessive POLE deficiency, haploinsufficiency of POLE has not been established as a mechanism of disease for POLE-related polymerase proofreading-associated polyposis (PPAP) and POLE-related CMMRD-like syndrome. Based on the supporting evidence, this variant is expected to be causative of POLE deficiency when present along with a second pathogenic variant on the other allele; however, its clinical significance for PPAP and POLE-related CMMRD-like syndrome is unclear.